The following is an entry in ClinVar:

NM_173648.4(CCDC141):c.3124T>A (p.Cys1042Ser)

Gene: CCDC141 (coiled-coil domain containing 141; minus strand). Cytogenetic location: 2q31.2.
Variant type: single nucleotide variant.
Coding change: c.3124T>A on transcript NM_173648.4 (MANE Select); coding-DNA position 3124, T replaced by A.
Protein change: p.Cys1042Ser; replaces cysteine 1042 with serine.
Molecular consequence: missense variant.
Genome position (GRCh38, 1-based): chr2:178,853,561, A>T on the plus strand (T>A on the coding strand, the complement: CCDC141 is on the minus strand). VCF-style: chr2-178853561-A-T. GRCh37 (hg19) VCF-style: chr2-179718288-A-T.
Other names: short protein forms C1042S.
Identifiers: ClinVar variation 4700922 (VCV004700922.1).

ClinVar aggregate classification (germline): Uncertain significance (1 of 4 stars; one submission).

Submission:

Labcorp Genetics (formerly Invitae), Labcorp
Classification: Uncertain significance. Last evaluated: 2025-09-05. Review status: criteria provided, single submitter. Criteria: Invitae Variant Classification Sherloc (09022015). Collection method: clinical testing. Allele origin: germline.
Comment: This sequence change replaces cysteine, which is neutral and slightly polar, with serine, which is neutral and polar, at codon 1042 of the CCDC141 protein (p.Cys1042Ser). This variant is not present in population databases (gnomAD no frequency). This variant has not been reported in the literature in individuals affected with CCDC141-related conditions. An algorithm developed to predict the effect of missense changes on protein structure and function (PolyPhen-2) suggests that this variant is likely to be disruptive. In summary, the available evidence is currently insufficient to determine the role of this variant in disease. Therefore, it has been classified as a Variant of Uncertain Significance.